The following is an entry in ClinVar:

NM_001166108.2(PALLD):c.2621A>C (p.Gln874Pro)

Genes: CBR4 (carbonyl reductase 4; minus strand), PALLD (palladin, cytoskeletal associated protein; plus strand). Cytogenetic location: 4q32.3.
Variant type: single nucleotide variant.
Coding change: c.2621A>C on transcript NM_001166108.2 (MANE Select); coding-DNA position 2621, A replaced by C.
Protein change: p.Gln874Pro; replaces glutamine 874 with proline.
Molecular consequence: missense variant.
Genome position (GRCh38, 1-based): chr4:168,903,905, A>C. VCF-style: chr4-168903905-A-C. GRCh37 (hg19) VCF-style: chr4-169825056-A-C.
Other names: c.1424A>C, p.Gln475Pro (NM_001166109.2); c.1109A>C, p.Gln370Pro (NM_001166110.2); c.449A>C, p.Gln150Pro (NM_001367567.1, NM_001367569.1); c.500A>C, p.Gln167Pro (NM_001367568.1, NM_001367570.1); c.2570A>C, p.Gln857Pro (NM_016081.4); short protein forms Q150P, Q167P, Q370P, Q475P, Q857P, Q874P.
Identifiers: ClinVar variation 3226778 (VCV003226778.1), dbSNP rs761530979, ClinGen allele CA110518516.

ClinVar aggregate classification (germline): Uncertain significance (1 of 4 stars; one submission).

gnomAD v4.1: 2 of 1,613,738 alleles (0.00012%); highest among the groups gnomAD compares: Non-Finnish European, 0.00017%; no homozygotes.

Submission:

Ambry Genetics
Classification: Uncertain significance. Last evaluated: 2024-02-27. Review status: criteria provided, single submitter. Criteria: Ambry Variant Classification Scheme 2023. Collection method: clinical testing. Allele origin: germline.
Comment: The p.Q857P variant (also known as c.2570A>C), located in coding exon 13 of the PALLD gene, results from an A to C substitution at nucleotide position 2570. The glutamine at codon 857 is replaced by proline, an amino acid with similar properties. This amino acid position is conserved. In addition, the in silico prediction for this alteration is inconclusive. Based on the available evidence, the clinical significance of this alteration remains unclear.